The following is an entry in ClinVar:

NM_001143820.2(ETS1):c.73del (p.Gln25fs)

Gene: ETS1 (ETS proto-oncogene 1, transcription factor; minus strand). Cytogenetic location: 11q24.3.
Variant type: Deletion.
Coding change: c.73del on transcript NM_001143820.2 (MANE Select); coding-DNA position 73, one base deleted (C; older notation c.73delC).
Protein change: p.Gln25fs; shifts the reading frame from glutamine 25.
Molecular consequence: frameshift variant.
Genome position (GRCh38, 1-based): chr11:128,556,432, G deleted on the plus strand (C on the coding strand, the reverse complement: ETS1 is on the minus strand). VCF-style (leftmost placement, unchanged base first): chr11-128556431-TG-T. GRCh37 (hg19) VCF-style: chr11-128426326-TG-T.
Other names: short protein forms Q25fs.
Identifiers: ClinVar variation 4855970 (VCV004855970.1).

ClinVar aggregate classification (germline): Uncertain significance (1 of 4 stars; one submission).

Conditions:
ETS1-related disorder. Also called: ETS1-related condition.

Submission:

3billion
Classification: Uncertain significance for ETS1-related disorder. Last evaluated: 2025-12-01. Review status: criteria provided, single submitter. Criteria: ACMG Guidelines, 2015. Collection method: clinical testing. Allele origin: germline. Affected: yes.
Comment: The variant is not observed in the gnomAD v4.1.0 dataset. Predicted Consequence/Location: Frameshift: predicted to result in a loss or disruption of normal protein function through nonsense-mediated decay (NMD) or protein truncation. Multiple pathogenic variants are reported downstream of the variant. Therefore, this variant is classified as VUS according to the recommendation of ACMG/AMP guideline.